The following is an entry in ClinVar:

ClinVar aggregate classification (germline): Uncertain significance (1 of 4 stars; one submission).

Conditions:
NAV2-related disorder. Also called: NAV2-related condition.

Allele frequency attached by ClinVar (database versions not stated): gnomAD 0.00001; gnomAD exomes 0.00001.
gnomAD v4.1: 8 of 1,613,650 alleles (0.0005%); highest among the groups gnomAD compares: African/African-American, 0.0013%; no homozygotes.

Submission:

PreventionGenetics, part of Exact Sciences
Classification: Uncertain significance for NAV2-related condition. Last evaluated: 2023-06-12. Review status: criteria provided, single submitter. Criteria: ACMG Guidelines, 2015. Collection method: clinical testing. Allele origin: germline.
Comment: The NAV2 c.671C>T variant is predicted to result in the amino acid substitution p.Thr224Ile. To our knowledge, this variant has not been reported in the literature or in a large population database, indicating this variant is rare. At this time, the clinical significance of this variant is uncertain due to the absence of conclusive functional and genetic evidence.

NM_145117.5(NAV2):c.671C>T (p.Thr224Ile)

Gene: NAV2 (neuron navigator 2; plus strand). Cytogenetic location: 11p15.1.
Variant type: single nucleotide variant.
Coding change: c.671C>T on transcript NM_145117.5 (MANE Select); coding-DNA position 671, C replaced by T.
Protein change: p.Thr224Ile; replaces threonine 224 with isoleucine.
Molecular consequence: missense variant.
Genome position (GRCh38, 1-based): chr11:19,880,028, C>T. VCF-style: chr11-19880028-C-T. GRCh37 (hg19) VCF-style: chr11-19901574-C-T.
Other names: c.479C>T, p.Thr160Ile (NM_001111018.2); c.671C>T, p.Thr224Ile (NM_001244963.2, NM_182964.6); short protein forms T160I, T224I.
Identifiers: ClinVar variation 2632256 (VCV002632256.1), dbSNP rs2063101824, ClinGen allele CA380050069.